The following is an entry in ClinVar:

NM_001134363.3(RBM20):c.2879A>G (p.Asp960Gly)

Gene: RBM20 (RNA binding motif protein 20; plus strand). Cytogenetic location: 10q25.2.
Variant type: single nucleotide variant.
Coding change: c.2879A>G on transcript NM_001134363.3 (MANE Select); coding-DNA position 2879, A replaced by G.
Protein change: p.Asp960Gly; replaces aspartic acid 960 with glycine.
Molecular consequence: missense variant.
Genome position (GRCh38, 1-based): chr10:110,821,498, A>G. VCF-style: chr10-110821498-A-G. GRCh37 (hg19) VCF-style: chr10-112581256-A-G.
Other names: short protein forms D960G.
Identifiers: ClinVar variation 5028016 (VCV005028016.1).

ClinVar aggregate classification (germline): Uncertain significance (1 of 4 stars; one submission).

Conditions:
Cardiovascular phenotype. Identifiers: MedGen CN230736.

gnomAD v4.1: 2 of 1,551,976 alleles (0.00013%); highest among the groups gnomAD compares: Non-Finnish European, 0.00017%; no homozygotes.

Submission:

Ambry Genetics
Classification: Uncertain significance for Cardiovascular phenotype. Last evaluated: 2026-07-07. Review status: criteria provided, single submitter. Criteria: Ambry Variant Classification Scheme 2023. Collection method: clinical testing. Allele origin: germline.
Comment: The p.D960G variant (also known as c.2879A>G), located in coding exon 11 of the RBM20 gene, results from an A to G substitution at nucleotide position 2879. The aspartic acid at codon 960 is replaced by glycine, an amino acid with similar properties. This amino acid position is conserved. In addition, this alteration is predicted to be tolerated by in silico analysis. Based on the available evidence, the clinical significance of this variant remains unclear.